The following is an entry in ClinVar:

ClinVar aggregate classification (germline): Benign/Likely benign. Review status: criteria provided, multiple submitters, no conflicts (2 of 4 stars). 2 submissions from 2 submitters: Benign (1); Likely benign (1). Last evaluated 2026-07-10.

Conditions:
Rhabdoid tumor predisposition syndrome 2 (RTPS2). Identifiers: Orphanet 231108, Orphanet 69077, MedGen C2750074, MONDO:0013224, OMIM 613325.
Hereditary cancer-predisposing syndrome. Also called: Neoplastic Syndromes, Hereditary; Tumor predisposition; Hereditary neoplastic syndrome; Hereditary Cancer Syndrome. Identifiers: Orphanet 140162, MedGen C0027672, MeSH D009386, MONDO:0015356.

gnomAD v4.1: 1 of 1,614,132 alleles (0.000062%); highest among the groups gnomAD compares: Non-Finnish European, 0.000085%; no homozygotes.

Submissions (2):

Myriad Genetics, Inc.
Classification: Benign for Rhabdoid tumor predisposition syndrome 2. Last evaluated: 2026-07-10. Review status: criteria provided, single submitter. Criteria: Myriad Autosomal Dominant, Autosomal Recessive and X-Linked Classification Criteria (2023). Collection method: clinical testing. Allele origin: unknown.
Comment: This variant is considered benign. This variant is a silent/synonymous amino acid change and it is not expected to impact splicing.

Ambry Genetics
Classification: Likely benign for Hereditary cancer-predisposing syndrome. Last evaluated: 2025-03-31. Review status: criteria provided, single submitter. Criteria: Ambry Variant Classification Scheme 2023. Collection method: clinical testing. Allele origin: germline.

NM_003072.5(SMARCA4):c.1470C>T (p.His490=)

Gene: SMARCA4 (SWI/SNF related BAF chromatin remodeling complex subunit ATPase 4; plus strand). Cytogenetic location: 19p13.2.
Variant type: single nucleotide variant.
Coding change: c.1470C>T on transcript NM_003072.5 (MANE Select); coding-DNA position 1470, C replaced by T.
Protein change: p.His490=; no amino-acid change (histidine 490 retained).
Molecular consequence: synonymous variant. On other transcripts: non-coding transcript variant (1).
Genome position (GRCh38, 1-based): chr19:10,994,878, C>T. VCF-style: chr19-10994878-C-T. GRCh37 (hg19) VCF-style: chr19-11105554-C-T.
Other names: c.1470C>T, p.His490= (NM_001128844.3, NM_001128845.2, NM_001128846.2 and 6 more transcripts).
Identifiers: ClinVar variation 3958433 (VCV003958433.2).
Genomic context (GRCh38, chr19:10,994,878, plus strand): 5'-TTTCCTGCAGGAATACCTCAATAGCATTCTCCAGCATGCCAAGGATTTCAAGGAATATCA[C>T]AGATCCGTCACAGGCAAAATCCAGAAGCTGACCAAGGCAGTGGCCACGTACCATGCCAAC-3'
Protein context (NP_003063.2, residues 480-500): LQHAKDFKEY[His490=]RSVTGKIQKL